The following is an entry in ClinVar:

ClinVar aggregate classification (germline): Uncertain significance (1 of 4 stars; one submission).

Submission:

Quest Diagnostics Nichols Institute San Juan Capistrano
Classification: Uncertain significance. Last evaluated: 2025-04-07. Review status: criteria provided, single submitter. Criteria: Quest Diagnostics criteria. Collection method: clinical testing. Allele origin: unknown.
Comment: The PMS2 c.2524A>G (p.Asn842Asp) variant has been reported in the published literature in an individual with colorectal cancer (PMID: 25856668 (2015)). This variant has not been reported in large, multi-ethnic general populations (Genome Aggregation Database). Analysis of this variant using bioinformatics tools for the prediction of the effect of amino acid changes on protein structure and function yielded predictions that this variant is damaging. Based on the available information, we are unable to determine the clinical significance of this variant.

Literature cited by the submitters: PubMed 25856668.

NM_000535.7(PMS2):c.2524A>G (p.Asn842Asp)

Gene: PMS2 (PMS1 homolog 2, mismatch repair system component; minus strand). Cytogenetic location: 7p22.1.
Variant type: single nucleotide variant.
Coding change: c.2524A>G on transcript NM_000535.7 (MANE Select); coding-DNA position 2524, A replaced by G.
Protein change: p.Asn842Asp; replaces asparagine 842 with aspartic acid.
Molecular consequence: missense variant. On other transcripts: non-coding transcript variant (1).
Genome position (GRCh38, 1-based): chr7:5,973,464, T>C on the plus strand (A>G on the coding strand, the complement: PMS2 is on the minus strand). VCF-style: chr7-5973464-T-C. GRCh37 (hg19) VCF-style: chr7-6013095-T-C.
Other names: c.2119A>G, p.Asn707Asp (NM_001322003.2, NM_001322004.2, NM_001322005.2 and 11 more transcripts); c.2368A>G, p.Asn790Asp (NM_001322006.2); c.2206A>G, p.Asn736Asp (NM_001322007.2, NM_001322008.2, NM_001406883.1); c.2152A>G, p.Asn718Asp (NM_001322009.2, NM_001406887.1, NM_001406888.1); c.1963A>G, p.Asn655Asp (NM_001322010.2, NM_001406906.1, NM_001406907.1); c.1591A>G, p.Asn531Asp (NM_001322011.2, NM_001322012.2); c.1951A>G, p.Asn651Asp (NM_001322013.2, NM_001406908.1, NM_001406909.1); c.2557A>G, p.Asn853Asp (NM_001322014.2); and 20 more; short protein forms N441D, N531D, N585D, N603D, N651D, N655D, N671D, N680D.
Identifiers: ClinVar variation 4532979 (VCV004532979.1).
Genomic context (GRCh38, chr7:5,973,464, plus strand): 5'-TCTGAGAAATGACACCCAGGTTGGCGATGTGTCTCATGGTTGGCCTTCCATGGGGACAGT[T>C]CCAGGGGTGGTCCATCTCCCCCATGTGGGTGATCAGTTTCTTCATCTCGCTTGTGTTAAG-3'
Protein context (NP_000526.2, residues 832-852): THMGEMDHPW[Asn842Asp]CPHGRPTMRH